The following is an entry in ClinVar:

ClinVar aggregate classification (germline): Likely pathogenic (1 of 4 stars; one submission).

Conditions:
Mucopolysaccharidosis, MPS-IV-A (MPS4A). Also called: Mucopolysaccharidosis type IV A; Mucopolysaccharidosis Type IVA; Morquio syndrome A, mild; MORQUIO SYNDROME A; MPS IVA; mucopolysaccharidosis type 4A. Identifiers: Orphanet 309297, Orphanet 582, MedGen C0086651, MONDO:0009659, OMIM 253000.

Submission:

Laboratory of Diagnosis and Therapy of Lysosomal Disorders, University of Padova
Classification: Likely pathogenic for Mucopolysaccharidosis, MPS-IV-A. Last evaluated: 2021-02-01. Review status: criteria provided, single submitter. Criteria: ACMG Guidelines, 2015. Collection method: research. Allele origin: germline. Affected: yes.
Comment: Splicing site in canonical site (PVS1_strong); absent from gnomAD v2.1.1 (PM2_moderate)

Literature cited by the submitters: PubMed 34387910.

NM_000512.5(GALNS):c.1483-2A>G

Gene: GALNS (galactosamine (N-acetyl)-6-sulfatase; minus strand). Cytogenetic location: 16q24.3.
Variant type: single nucleotide variant.
Coding change: c.1483-2A>G on transcript NM_000512.5 (MANE Select); the canonical splice acceptor site of the intron before coding-DNA position 1483, A replaced by G.
Molecular consequence: splice acceptor variant.
Genome position (GRCh38, 1-based): chr16:88,814,527, T>C on the plus strand (A>G on the coding strand, the complement: GALNS is on the minus strand). VCF-style: chr16-88814527-T-C. GRCh37 (hg19) VCF-style: chr16-88880935-T-C.
Other names: c.928-2A>G (NM_001323543.2); c.1501-2A>G (NM_001323544.2).
Identifiers: ClinVar variation 1048335 (VCV001048335.3), dbSNP rs2142967340, ClinGen allele CA397092740.